The following is an entry in ClinVar:

NM_000350.3(ABCA4):c.3871C>T (p.Gln1291Ter)

Gene: ABCA4 (ATP binding cassette subfamily A member 4; minus strand). Cytogenetic location: 1p22.1.
Variant type: single nucleotide variant.
Coding change: c.3871C>T on transcript NM_000350.3 (MANE Select); coding-DNA position 3871, C replaced by T.
Protein change: p.Gln1291Ter; replaces glutamine 1291 with a stop codon.
Molecular consequence: nonsense.
Genome position (GRCh38, 1-based): chr1:94,032,035, G>A on the plus strand (C>T on the coding strand, the complement: ABCA4 is on the minus strand). VCF-style: chr1-94032035-G-A. GRCh37 (hg19) VCF-style: chr1-94497591-G-A.
Other names: c.3649C>T, p.Gln1217Ter (NM_001425324.1); short protein forms Q1291*, Q1217*.
Identifiers: ClinVar variation 236106 (VCV000236106.57), dbSNP rs746541266, ClinGen allele CA957778.
Genomic context (GRCh38, chr1:94,032,035, plus strand): 5'-CAGCCTTCTCTCTGGGACCCAAGCAGGGGTGTCGGGGGTTGACGTTTTCTCTTTTCTGCT[G>A]AGCGCCACCTGTTTTGAGAGATTGAATTAATAATTTGGAAAATGCCTATAAGGTCTGGAT-3'

ClinVar aggregate classification (germline): Pathogenic. Review status: criteria provided, multiple submitters, no conflicts (2 of 4 stars). 7 submissions from 6 submitters: Pathogenic (7). Last evaluated 2025-02-17.

Conditions:
ABCA4-related disorder. Also called: ABCA4-related disorders; ABCA4-related condition. Identifiers: MedGen CN239167.
Retinal dystrophy. Also called: Inherited retinal dystrophy. Identifiers: Orphanet 71862, MedGen C0854723, MeSH D058499, MONDO:0019118, HP:0000556.
Age related macular degeneration 2. Also called: MACULAR DEGENERATION, SENILE; MACULOPATHY, AGE-RELATED, 2; MACULOPATHY, AGE-RELATED. Identifiers: MedGen C3495438, MONDO:0007932, OMIM 153800.
Severe early-childhood-onset retinal dystrophy (STGD1). Also called: MACULAR DYSTROPHY WITH FLECKS, TYPE 1; Stargardt macular dystrophy; Juvenile onset macular degeneration; Stargardt disease 1; STGD. Identifiers: Orphanet 364055, Orphanet 827, MedGen C1855465, MeSH D000080362, MONDO:0009549, OMIM 248200.

Allele frequency attached by ClinVar (database versions not stated): gnomAD exomes below 0.00001; ExAC 0.00001.
gnomAD v4.1: 1 of 1,611,362 alleles (0.000062%); highest among the groups gnomAD compares: Non-Finnish European, 0.000085%; no homozygotes.

Submissions (7):

Labcorp Genetics (formerly Invitae), Labcorp
Classification: Pathogenic. Last evaluated: 2025-02-17. Review status: criteria provided, single submitter. Criteria: Invitae Variant Classification Sherloc (09022015). Collection method: clinical testing. Allele origin: germline.
Comment: This sequence change creates a premature translational stop signal (p.Gln1291*) in the ABCA4 gene. It is expected to result in an absent or disrupted protein product. Loss-of-function variants in ABCA4 are known to be pathogenic (PMID: 10958761, 24938718, 25312043, 26780318). The frequency data for this variant in the population databases is considered unreliable, as metrics indicate poor data quality at this position in the gnomAD database. This premature translational stop signal has been observed in individual(s) with ABCA4-related conditions (PMID: 25474345, 28118664, 29555955). ClinVar contains an entry for this variant (Variation ID: 236106). For these reasons, this variant has been classified as Pathogenic.

Blueprint Genetics
Classification: Pathogenic for ABCA4-related disorders. Last evaluated: 2023-07-20. Review status: criteria provided, single submitter. Criteria: ACMG Guidelines, 2015. Collection method: clinical testing. Allele origin: germline. Affected: yes. Observed: 4 variant alleles.

Centre for Mendelian Genomics, University Medical Centre Ljubljana
Classification: Pathogenic for Age related macular degeneration 2. Last evaluated: 2019-12-05. Review status: criteria provided, single submitter. Criteria: ACMG Guidelines, 2015. Collection method: clinical testing. Allele origin: unknown. Affected: yes.
Comment: This variant was classified as: Pathogenic. The following ACMG criteria were applied in classifying this variant: PVS1,PM2,PM3,PP5.

Revvity Omics, Revvity
Classification: Pathogenic. Last evaluated: 2019-07-31. Review status: criteria provided, single submitter. Criteria: ACMG Guidelines, 2015. Collection method: clinical testing. Allele origin: germline.

CeGaT Center for Human Genetics Tuebingen
Classification: Pathogenic. Last evaluated: 2018-04-01. Review status: criteria provided, single submitter. Criteria: CeGaT Center For Human Genetics Tuebingen Variant Classification Criteria Version 2. Collection method: clinical testing. Allele origin: germline. Affected: yes. Observed: 2 variant alleles.

Institute of Human Genetics, Univ. Regensburg, Univ. Regensburg
Classification: Pathogenic for Retinal dystrophy. Last evaluated: 2017-01-01. Review status: criteria provided, single submitter. Criteria: ACMG Guidelines, 2015. Collection method: clinical testing. Allele origin: germline. Affected: yes.

Institute of Human Genetics, Univ. Regensburg, Univ. Regensburg
Classification: Pathogenic for Severe early-childhood-onset retinal dystrophy. Last evaluated: 2016-01-01. Review status: criteria provided, single submitter. Criteria: Schulz et al. (Invest Ophthalmol Vis Sci. 2017). Collection method: clinical testing. Allele origin: germline. Affected: yes. Observed: 1 heterozygote.

Literature cited by the submitters: PubMed 10958761 (cited by Labcorp Genetics (formerly Invitae), Labcorp); PubMed 24938718 (cited by Labcorp Genetics (formerly Invitae), Labcorp); PubMed 25312043 (cited by Labcorp Genetics (formerly Invitae), Labcorp); PubMed 26780318 (cited by Labcorp Genetics (formerly Invitae), Labcorp); PubMed 25474345 (cited by Labcorp Genetics (formerly Invitae), Labcorp and Institute of Human Genetics, Univ. Regensburg, Univ. Regensburg); PubMed 28118664 (cited by Labcorp Genetics (formerly Invitae), Labcorp and Institute of Human Genetics, Univ. Regensburg, Univ. Regensburg); PubMed 29555955 (cited by Labcorp Genetics (formerly Invitae), Labcorp and Institute of Human Genetics, Univ. Regensburg, Univ. Regensburg); PubMed 32619608 (cited by Institute of Human Genetics, Univ. Regensburg, Univ. Regensburg); PubMed 32531858 (cited by Institute of Human Genetics, Univ. Regensburg, Univ. Regensburg); PubMed 33301772 (cited by Institute of Human Genetics, Univ. Regensburg, Univ. Regensburg); PubMed 35119454 (cited by Institute of Human Genetics, Univ. Regensburg, Univ. Regensburg); PubMed 36460718 (cited by Institute of Human Genetics, Univ. Regensburg, Univ. Regensburg).